The following is an entry in ClinVar:

ClinVar aggregate classification (germline): Uncertain significance (1 of 4 stars; one submission).

Allele frequency attached by ClinVar (database versions not stated): gnomAD exomes below 0.00001.
gnomAD v4.1: 1 of 1,613,010 alleles (0.000062%); highest among the groups gnomAD compares: Non-Finnish European, 0.000085%; no homozygotes.

Submission:

Labcorp Genetics (formerly Invitae), Labcorp
Classification: Uncertain significance. Last evaluated: 2023-09-15. Review status: criteria provided, single submitter. Criteria: Invitae Variant Classification Sherloc (09022015). Collection method: clinical testing. Allele origin: germline.
Comment: This sequence change replaces histidine, which is basic and polar, with tyrosine, which is neutral and polar, at codon 49 of the RPS27 protein (p.His49Tyr). This variant is not present in population databases (gnomAD no frequency). This variant has not been reported in the literature in individuals affected with RPS27-related conditions. An algorithm developed to predict the effect of missense changes on protein structure and function (PolyPhen-2) suggests that this variant is likely to be tolerated. In summary, the available evidence is currently insufficient to determine the role of this variant in disease. Therefore, it has been classified as a Variant of Uncertain Significance.

NM_001030.6(RPS27):c.145C>T (p.His49Tyr)

Genes: RPS27 (ribosomal protein S27; plus strand), LOC126805872 (BRD4-independent group 4 enhancer GRCh37_chr1:153962963-153964162; plus strand). Cytogenetic location: 1q21.3.
Variant type: single nucleotide variant.
Coding change: c.145C>T on transcript NM_001030.6 (MANE Select); coding-DNA position 145, C replaced by T.
Protein change: p.His49Tyr; replaces histidine 49 with tyrosine.
Molecular consequence: missense variant.
Genome position (GRCh38, 1-based): chr1:153,991,595, C>T. VCF-style: chr1-153991595-C-T. GRCh37 (hg19) VCF-style: chr1-153964071-C-T.
Other names: c.49C>T, p.His17Tyr (NM_001349946.2, NM_001349947.2); short protein forms H49Y, H17Y.
Identifiers: ClinVar variation 2756626 (VCV002756626.3), dbSNP rs2526149535, ClinGen allele CA342588011.